The following is an entry in ClinVar:

NM_147127.5(EVC2):c.1505T>G (p.Leu502Arg)

Gene: EVC2 (EvC ciliary complex subunit 2; minus strand). Cytogenetic location: 4p16.2.
Variant type: single nucleotide variant.
Coding change: c.1505T>G on transcript NM_147127.5 (MANE Select); coding-DNA position 1505, T replaced by G.
Protein change: p.Leu502Arg; replaces leucine 502 with arginine.
Molecular consequence: missense variant.
Genome position (GRCh38, 1-based): chr4:5,631,998, A>C on the plus strand (T>G on the coding strand, the complement: EVC2 is on the minus strand). VCF-style: chr4-5631998-A-C. GRCh37 (hg19) VCF-style: chr4-5633725-A-C.
Other names: c.1265T>G, p.Leu422Arg (NM_001166136.2); short protein forms L422R, L502R.
Identifiers: ClinVar variation 967176 (VCV000967176.8), dbSNP rs145909403, ClinGen allele CA2835025.

ClinVar aggregate classification (germline): Uncertain significance. Review status: criteria provided, multiple submitters, no conflicts (2 of 4 stars). 4 submissions from 4 submitters: Uncertain significance (3). 1 of the submissions does not count toward it. Last evaluated 2025-07-16.

Conditions:
EVC2-related disorder. Also called: EVC2-related condition.
Inborn genetic diseases. Identifiers: MedGen C0950123, MeSH D030342.
Ellis-van Creveld syndrome (EVC). Also called: Chondroectodermal dysplasia; MESOECTODERMAL DYSPLASIA. Identifiers: Orphanet 289, MedGen C0013903, MONDO:0009162, OMIM 225500.
Curry-Hall syndrome (WAD). Also called: WEYERS ACRODENTAL DYSOSTOSIS. Identifiers: Orphanet 952, MedGen C0457013, MONDO:0008673, OMIM 193530.

Allele frequency attached by ClinVar (database versions not stated): gnomAD exomes 0.00005; ExAC 0.00011; ESP Exome Variant Server 0.00023; gnomAD 0.00042 and 0.00046; TOPMed 0.00044; 1000 Genomes Project 30x 0.00047; 1000 Genomes Project 0.00060.
gnomAD v4.1: 141 of 1,614,184 alleles (0.0087%); highest among the groups gnomAD compares: African/African-American, 0.15%; no homozygotes.

Submissions (4):

Ambry Genetics
Classification: Uncertain significance for Inborn genetic diseases. Last evaluated: 2025-07-16. Review status: criteria provided, single submitter. Criteria: Ambry Variant Classification Scheme 2023. Collection method: clinical testing. Allele origin: germline.

Labcorp Genetics (formerly Invitae), Labcorp
Classification: Uncertain significance for Curry-Hall syndrome; Ellis-van Creveld syndrome. Last evaluated: 2024-09-25. Review status: criteria provided, single submitter. Criteria: Invitae Variant Classification Sherloc (09022015). Collection method: clinical testing. Allele origin: germline.
Comment: This sequence change replaces leucine, which is neutral and non-polar, with arginine, which is basic and polar, at codon 502 of the EVC2 protein (p.Leu502Arg). This variant is present in population databases (rs145909403, gnomAD 0.1%). This variant has not been reported in the literature in individuals affected with EVC2-related conditions. ClinVar contains an entry for this variant (Variation ID: 967176). An algorithm developed to predict the effect of missense changes on protein structure and function (PolyPhen-2) suggests that this variant is likely to be disruptive. In summary, the available evidence is currently insufficient to determine the role of this variant in disease. Therefore, it has been classified as a Variant of Uncertain Significance.

Blueprint Genetics
Classification: Uncertain significance. Last evaluated: 2024-02-23. Review status: criteria provided, single submitter. Criteria: ACMG Guidelines, 2015. Collection method: clinical testing. Allele origin: germline.

PreventionGenetics, part of Exact Sciences
Classification: Uncertain significance for EVC2-related condition. Last evaluated: 2024-06-26. Review status: no assertion criteria provided. Collection method: clinical testing. Allele origin: germline. Not counted in ClinVar's aggregate classification.
Comment: The EVC2 c.1505T>G variant is predicted to result in the amino acid substitution p.Leu502Arg. To our knowledge, this variant has not been reported in the literature. This variant is reported in 0.14% of alleles in individuals of African descent in gnomAD. At this time, the clinical significance of this variant is uncertain due to the absence of conclusive functional and genetic evidence.